The following is an entry in ClinVar:

ClinVar aggregate classification (germline): Pathogenic (1 of 4 stars; one submission).

Submission:

Labcorp Genetics (formerly Invitae), Labcorp
Classification: Pathogenic. Last evaluated: 2022-09-07. Review status: criteria provided, single submitter. Criteria: Invitae Variant Classification Sherloc (09022015). Collection method: clinical testing. Allele origin: germline.
Comment: For these reasons, this variant has been classified as Pathogenic. This variant has not been reported in the literature in individuals affected with USH2A-related conditions. This variant is not present in population databases (gnomAD no frequency). This sequence change creates a premature translational stop signal (p.Pro4851Serfs*30) in the USH2A gene. It is expected to result in an absent or disrupted protein product. Loss-of-function variants in USH2A are known to be pathogenic (PMID: 10729113, 10909849, 20507924, 25649381).

Literature cited by the submitters: PubMed 10729113; PubMed 10909849; PubMed 20507924; PubMed 25649381.

NM_206933.4(USH2A):c.14551_14560del (p.Pro4851fs)

Gene: USH2A (usherin; minus strand). Cytogenetic location: 1q41.
Variant type: Deletion.
Coding change: c.14551_14560del on transcript NM_206933.4 (MANE Select); coding-DNA positions 14551 to 14560, 10 bases deleted (CCCCCCATGT; older notation c.14551_14560delCCCCCCATGT).
Protein change: p.Pro4851fs; shifts the reading frame from proline 4851.
Molecular consequence: frameshift variant.
Genome position (GRCh38, 1-based): chr1:215,648,550-215,648,559, ACATGGGGGG deleted on the plus strand (CCCCCCATGT on the coding strand, the reverse complement: USH2A is on the minus strand); deleting any 10 consecutive bases within chr1:215,648,550-215,648,561 gives the same sequence; the c. name uses the placement nearest the transcript's 3' end. VCF-style (leftmost placement, unchanged base first): chr1-215648549-AACATGGGGGG-A. GRCh37 (hg19) VCF-style: chr1-215821891-AACATGGGGGG-A.
Other names: short protein forms P4851fs.
Identifiers: ClinVar variation 2029369 (VCV002029369.4), dbSNP rs2464815322, ClinGen allele CA2580062052.